The following is an entry in ClinVar:

ClinVar aggregate classification (germline): Uncertain significance (1 of 4 stars; one submission).

Conditions:
Osteogenesis imperfecta type 8 (OI8). Identifiers: MedGen C1970458, MONDO:0012581, OMIM 610915.

gnomAD v4.1: 1 of 1,613,974 alleles (0.000062%); highest among the groups gnomAD compares: Non-Finnish European, 0.000085%; no homozygotes.

Submission:

Labcorp Genetics (formerly Invitae), Labcorp
Classification: Uncertain significance for Osteogenesis imperfecta type 8. Last evaluated: 2021-11-18. Review status: criteria provided, single submitter. Criteria: Invitae Variant Classification Sherloc (09022015). Collection method: clinical testing. Allele origin: germline.
Comment: This sequence change replaces valine, which is neutral and non-polar, with leucine, which is neutral and non-polar, at codon 599 of the P3H1 protein (p.Val599Leu). This variant is not present in population databases (gnomAD no frequency). This variant has not been reported in the literature in individuals affected with P3H1-related conditions. Algorithms developed to predict the effect of missense changes on protein structure and function (SIFT, PolyPhen-2, Align-GVGD) all suggest that this variant is likely to be tolerated. In summary, the available evidence is currently insufficient to determine the role of this variant in disease. Therefore, it has been classified as a Variant of Uncertain Significance.

NM_022356.4(P3H1):c.1795G>T (p.Val599Leu)

Gene: P3H1 (prolyl 3-hydroxylase 1; minus strand). Cytogenetic location: 1p34.2.
Variant type: single nucleotide variant.
Coding change: c.1795G>T on transcript NM_022356.4 (MANE Select); coding-DNA position 1795, G replaced by T.
Protein change: p.Val599Leu; replaces valine 599 with leucine.
Molecular consequence: missense variant.
Genome position (GRCh38, 1-based): chr1:42,748,243, C>A on the plus strand (G>T on the coding strand, the complement: P3H1 is on the minus strand). VCF-style: chr1-42748243-C-A. GRCh37 (hg19) VCF-style: chr1-43213914-C-A.
Other names: c.1795G>T, p.Val599Leu (NM_001146289.2, NM_001243246.2); short protein forms V599L.
Identifiers: ClinVar variation 1358681 (VCV001358681.3), dbSNP rs140254470, ClinGen allele CA339954224.
Genomic context (GRCh38, chr1:42,748,243, plus strand): 5'-ACCTGCCCCGCACTCACCTGTAGTCGCGGAAGGTGTAGGCTGGGGGCTCTTTGACACACA[C>A]GAGGGTCTCGGCATTCAGGATGCAGTTGTCCACGTGGACTGGATGACTATCATCCTTCCT-3'
Protein context (NP_071751.3, residues 589-609): DNCILNAETL[Val599Leu]CVKEPPAYTF